The following is an entry in ClinVar:

NM_000518.5(HBB):c.316-197C>T

Genes: HBB (hemoglobin subunit beta; minus strand), LOC107133510 (origin of replication at HBB; plus strand), LOC110006319 (beta-globin gene 3' regulatory region; plus strand). Cytogenetic location: 11p15.4.
Variant type: single nucleotide variant.
Coding change: c.316-197C>T on transcript NM_000518.5 (MANE Select); 197 bases into the intron before coding-DNA position 316, C replaced by T.
Molecular consequence: intron variant.
Genome position (GRCh38, 1-based): chr11:5,225,923, G>A on the plus strand (C>T on the coding strand, the complement: HBB is on the minus strand). VCF-style: chr11-5225923-G-A. GRCh37 (hg19) VCF-style: chr11-5247153-G-A.
Other names: IVS2-654C>T; IVS2, C-T, +654.
Identifiers: ClinVar variation 15458 (VCV000015458.127), dbSNP rs34451549, ClinGen allele CA125317.

ClinVar aggregate classification (germline): Pathogenic. Review status: reviewed by expert panel (3 of 4 stars). 16 submissions from 16 submitters: Pathogenic (1). 15 of the submissions do not count toward it. Last evaluated 2026-04-30.

Conditions:
Beta-thalassemia HBB/LCRB. Identifiers: MedGen CN322236, MONDO:0013517, OMIM 613985.
Dominant beta-thalassemia. Also called: Beta-thalassemia, dominant inclusion body type. Identifiers: Orphanet 231226, Orphanet 848, MedGen C1858990, MONDO:0011381, OMIM 603902.
Erythrocytosis, familial, 6. Also called: ERYTHROCYTOSIS, BETA-GLOBIN TYPE; POLYCYTHEMIA, BETA-GLOBIN TYPE. Identifiers: MedGen C4693822, MONDO:0054801, OMIM 617980.
Malaria, susceptibility to. Identifiers: Orphanet 673, MedGen C1970028, MONDO:0021024, OMIM 611162.
Hereditary persistence of fetal hemoglobin. Identifiers: MedGen C0019025, MONDO:0020989, OMIM 141749.
METHEMOGLOBINEMIA, BETA TYPE. Also called: Methemoglobinemia, beta-globin type. Identifiers: MedGen C1840779, OMIM 617971.
Heinz body anemia. Also called: Heinz body hemolytic anemia. Identifiers: Orphanet 178330, MedGen C0700299, MONDO:0007705, OMIM 140700, HP:0005511.
Hb SS disease (SCD). Also called: Hemoglobin SS; Sickle cell disease; HbS disease; Hemoglobin S Disease; Sickling disorder due to hemoglobin S; Sickle cell anemia. Identifiers: Orphanet 232, Orphanet 275752, MedGen C0002895, MONDO:0011382, OMIM 603903.
HBB-related disorder. Also called: HBB-related disorders; HBB-related condition. Identifiers: MedGen CN239378.
Beta-thalassemia major. Identifiers: Orphanet 231214, MedGen C0002875, MONDO:0016486.
beta Thalassemia (BTHAL). Also called: Cooley's anemia; Erythroblastic anemia; Mediterranean anemia. Identifiers: Orphanet 848, MedGen C0005283, MONDO:0019402. Disease mechanism: loss of function.
Beta zero thalassemia. Identifiers: MedGen C0271980.

Allele frequency attached by ClinVar (database versions not stated): gnomAD 0.00005; TOPMed 0.00008.
gnomAD v4.1: 7 of 152,110 alleles (0.0046%); highest among the groups gnomAD compares: East Asian, 0.077%; no homozygotes.

Submissions 1 to 5 of 16:

ClinGen Hemoglobinopathy Variant Curation Expert Panel, ClinGen
Classification: Pathogenic for Beta-thalassemia HBB/LCRB. Last evaluated: 2026-04-30. Review status: reviewed by expert panel. Criteria: ClinGen Hb Opathy ACMG Specifications HBB V1.0.0. Collection method: curation. Allele origin: germline. Inheritance: Autosomal recessive inheritance.
Comment: The c.316-197C>T variant is found in intron 2 of HBB. This variant has been detected in 22 individuals with severe beta-thalassemia. Of those individuals, 15 were compound heterozygous for the variant and a pathogenic variant and were confirmed in trans by DNA studies, and 7 individuals were homozygous for the variant. Total PM3 points are 16 [PM3_VS; PMID: 1850955; 2014803; ClinVar VCV000015432.26; VCV000015432.26]. The variant has been reported in 11 individuals displaying a hematological phenotype consistent with beta thalassemia trait (low MCV and MCH with high HbA2), giving a score of 16.5 [PS4_VS; PMID: 28901454; BGI Genomics; The Hemoglobinopathies Laboratory, Department of Human and Clinical Genetics, Leiden University Medical Center; Molecular Genetics Laboratory, Hamilton Regional Laboratory Medicine Program, Hamilton Health Sciences]. The variant has been reported to segregate with severe thalassemia major in 1 affected individual. The total number of unaffected segregations in this same family is 3, giving a LOD score of 0.98 [PP1; PMID: 1850955]. The computational splicing predictor SpliceAI gives a Δ score of 0.94 (VCEP threshold >0.3) for donor gain 2 bp downstream of the variant site, predicting that the variant may affect splicing by disrupting the donor splice site of intron 2 of HBB [PP3], while in vitro splicing assay showed abnormal spliced products, further indicating a damaging impact on protein function [PS3_P; PMID: 6585831]. The minor allele frequency in gnomAD v4.1 is 0.00004602 (7/152110 alleles), which is lower than the ClinGen Hemoglobinopathy VCEP threshold <0.0001 for PM2_Supporting, and therefore meets this criterion [PM2_P]. In summary, this variant meets the criteria to be classified as pathogenic for beta-thalassemia HBB/LCRB (MONDO:0013517) in an autosomal recessive manner based on the ACMG/AMP criteria applied, as specified by the ClinGen Hemoglobinopathy VCEP (specification version 1.0.0): PM3_VS, PS4_VS, PP1, PP3, PM2_P, PS3_P.

PreventionGenetics, part of Exact Sciences
Classification: Pathogenic for HBB-related condition. Last evaluated: 2026-05-07. Review status: criteria provided, single submitter. Criteria: ACMG Guidelines, 2015. Collection method: clinical testing. Allele origin: germline. Not counted in ClinVar's aggregate classification.
Comment: The HBB c.316-197C>T variant is predicted to interfere with splicing. This variant is alternatively described as IVS2-654C>T using legacy nomenclature. This variant is predicted to alter splicing based on available splicing prediction programs (SpliceAI, Jaganathan et al. 2019. PubMed ID: 30661751) and is shown to activate a cryptic splice site, resulting in retention of 73 nucleotides from intron 2 (Cheng et al. 1984. PubMed ID: 6585831; Thein. 2013. PubMed ID: PMID: 23637309). It has been reported in the homozygous and compound heterozygous state in numerous individuals with beta thalassemia (see, for example, Cheng et al. 1984. PubMed ID: 6585831; Kazazian et al. 1986. PubMed ID: 2875755; Lin et al. 1991. PubMed ID: 2014803; Chiou et al. 1993. PubMed ID: 8435318; Vetter et al. 1997. PubMed ID: 9163586; Wu et al. 2017. PubMed ID: 28901454). This variant has not been reported in a large population database (gnomAD), indicating this variant is rare. This variant is interpreted as pathogenic.

Labcorp Genetics (formerly Invitae), Labcorp
Classification: Pathogenic. Last evaluated: 2026-02-04. Review status: criteria provided, single submitter. Criteria: Invitae Variant Classification Sherloc (09022015). Collection method: clinical testing. Allele origin: germline. Not counted in ClinVar's aggregate classification.
Comment: This sequence change falls in intron 2 of the HBB gene. It does not directly change the encoded amino acid sequence of the HBB protein. RNA analysis indicates that this variant induces altered splicing and likely disrupts the C-terminus of the protein. This variant is not present in population databases (gnomAD no frequency). This variant has been observed in individuals with beta-thalassemia (PMID: 2014803, 6585831, 8435318, 29695942). It has also been observed to segregate with disease in related individuals. This variant is also known as IVS2+654C>T, IVS-II-654 (C>T). ClinVar contains an entry for this variant (Variation ID: 15458). Studies have shown that this variant results in inclusion of 73 nucleotides from intron 2 and introduces a new termination codon (PMID: 6585831). However the mRNA is not expected to undergo nonsense-mediated decay. For these reasons, this variant has been classified as Pathogenic.

Natera, Inc.
Classification: Pathogenic for Beta thalassemia. Last evaluated: 2026-01-19. Review status: criteria provided, single submitter. Criteria: Natera Variant Classification Schema (03/2026). Collection method: clinical testing. Allele origin: germline. Not counted in ClinVar's aggregate classification.
Comment: The c.316-197C>T variant in HBB is an intronic variant located outside the canonical splice sites. This variant is rare in the general population with a frequency below the threshold expected for the associated phenotype(s). This variant has been observed in one or more individuals affected with the associated recessive disease, as either homozygous or compound heterozygous with a second variant (PMID: 9787184, 24369358, 25361929, 19736578). Given the available evidence, this variant is classified as Pathogenic.

ARUP Laboratories, Molecular Genetics and Genomics, ARUP Laboratories
Classification: Pathogenic. Last evaluated: 2025-07-28. Review status: criteria provided, single submitter. Criteria: ARUP Molecular Germline Variant Investigation Process 2024. Collection method: clinical testing. Allele origin: germline. Not counted in ClinVar's aggregate classification.
Comment: The HBB c.316-197C>T variant (also known as IVS-II-654 C->T, rs34451549, HbVar ID:889) has been reported in the compound heterozygous state in individuals with beta thalassemia major or intermedia and in the homozygous state in a patient with transfusion-dependent beta-thalassemia major (see link to HbVar database and references therein, Chen 2010, Lin 2013, Traivaree 2018, Wu 2017). This variant is reported as pathogenic in ClinVar (Variation ID: 15458) and is absent from the Genome Aggregation Database, indicating it is not a common polymorphism. This is an intronic variant, and computational algorithms (Alamut Visual Plus v.1.12) predict that this variant impacts splicing by creating a novel cryptic donor splice site. Additionally, functional mRNA studies of this variant demonstrate aberrant splicing that leads to the production of a transcript that contains a premature termination codon (Cheng 1984, Huang 1994). Based on available information, this variant is considered pathogenic. References: Link to HbVar database: Chen W et al. The molecular basis of beta-thalassemia intermedia in southern China: genotypic heterogeneity and phenotypic diversity. BMC Med Genet. 2010 Feb 25;11:31. PMID: 20181291. Cheng T et al. beta-Thalassemia in Chinese: use of in vivo RNA analysis and oligonucleotide hybridization in systematic characterization of molecular defects. Proc Natl Acad Sci U S A. 1984;81(9):2821-5. PMID: 6585831 Huang SZ et al. RNA transcripts of the beta-thalassaemia allele IVS-2-654 C-->T: a small amount of normally processed beta-globin mRNA is still produced from the mutant gene. Br J Haematol. 1994 Nov;88(3):541-6. PMID: 7819066 Lin M et al. Hemoglobinopathy: molecular epidemiological characteristics and health effects on Hakka people in the Meizhou region, southern China. PLoS One. 2013;8(2):e55024. PMID: 23383304 Traivaree C et al. Genotype-phenotype correlation among beta-thalassemia and beta-thalassemia/HbE disease in Thai children: predictable clinical spectrum using genotypic analysis. J Blood Med. 2018 Apr 10;9:35-41. PMID: 29695942. Wu L et al. B-thalassemia caused by compound heterozygous mutations and cured by bone marrow transplantation: A case report. Mol Med Rep. 2017 Nov;16(5):6552-6557. PMID: 28901454